The following is an entry in ClinVar:

ClinVar aggregate classification (germline): Likely benign. Review status: criteria provided, single submitter (1 of 4 stars). 2 submissions from 2 submitters: Likely benign (1). 1 of the submissions does not count toward it. Last evaluated 2022-11-17.

Conditions:
ARPC1B-related disorder. Also called: ARPC1B-related condition.

Allele frequency attached by ClinVar (database versions not stated): 1000 Genomes Project 30x 0.00016; 1000 Genomes Project 0.00020.
gnomAD v4.1: 15 of 1,591,296 alleles (0.00094%); highest among the groups gnomAD compares: African/African-American, 0.008%; no homozygotes.

Submissions (2):

Labcorp Genetics (formerly Invitae), Labcorp
Classification: Likely benign. Last evaluated: 2022-11-17. Review status: criteria provided, single submitter. Criteria: Invitae Variant Classification Sherloc (09022015). Collection method: clinical testing. Allele origin: germline.

PreventionGenetics, part of Exact Sciences
Classification: Likely benign for ARPC1B-related condition. Last evaluated: 2021-05-03. Review status: no assertion criteria provided. Collection method: clinical testing. Allele origin: germline. Not counted in ClinVar's aggregate classification.
Comment: This variant is classified as likely benign based on ACMG/AMP sequence variant interpretation guidelines (Richards et al. 2015 PMID: 25741868, with internal and published modifications).

NM_005720.4(ARPC1B):c.170-5C>A

Gene: ARPC1B (actin related protein 2/3 complex subunit 1B; plus strand). Cytogenetic location: 7q22.1.
Variant type: single nucleotide variant.
Coding change: c.170-5C>A on transcript NM_005720.4 (MANE Select); 5 bases into the intron before coding-DNA position 170, C replaced by A.
Molecular consequence: intron variant.
Genome position (GRCh38, 1-based): chr7:99,388,034, C>A. VCF-style: chr7-99388034-C-A. GRCh37 (hg19) VCF-style: chr7-98985657-C-A.
Other names: c.170-5C>A (NM_005720.3).
Identifiers: ClinVar variation 1924461 (VCV001924461.7), dbSNP rs574874781, ClinGen allele CA4363939.
Genomic context (GRCh38, chr7:99,388,034, plus strand): 5'-GCCACCATACAGCCACCTCTGCCTGAGTGTCATCAGCCTCCTGTGTTCCCTCCATCCCCC[C>A]ACAGGCATCGACTGGGCCCCCGAGAGTAACCGTATTGTGACCTGCGGCACAGACCGCAAC-3'